The following is an entry in ClinVar:

ClinVar aggregate classification (germline): Uncertain significance (1 of 4 stars; one submission).

Conditions:
Inborn genetic diseases. Identifiers: MedGen C0950123, MeSH D030342.

gnomAD v4.1: 2 of 1,613,748 alleles (0.00012%); highest among the groups gnomAD compares: Non-Finnish European, 0.00017%; no homozygotes.

Submission:

Ambry Genetics
Classification: Uncertain significance for Inborn genetic diseases. Last evaluated: 2025-02-03. Review status: criteria provided, single submitter. Criteria: Ambry Variant Classification Scheme 2023. Collection method: clinical testing. Allele origin: germline.
Comment: The p.E1200K variant (also known as c.3598G>A), located in coding exon 1 of the SAMD9 gene, results from a G to A substitution at nucleotide position 3598. The glutamic acid at codon 1200 is replaced by lysine, an amino acid with similar properties. This amino acid position is conserved. In addition, the in silico prediction for this alteration is inconclusive. Based on the available evidence, the clinical significance of this variant remains unclear.

NM_017654.4(SAMD9):c.3598G>A (p.Glu1200Lys)

Gene: SAMD9 (sterile alpha motif domain containing 9; minus strand). Cytogenetic location: 7q21.2.
Variant type: single nucleotide variant.
Coding change: c.3598G>A on transcript NM_017654.4 (MANE Select); coding-DNA position 3598, G replaced by A.
Protein change: p.Glu1200Lys; replaces glutamic acid 1200 with lysine.
Molecular consequence: missense variant.
Genome position (GRCh38, 1-based): chr7:93,102,500, C>T on the plus strand (G>A on the coding strand, the complement: SAMD9 is on the minus strand). VCF-style: chr7-93102500-C-T. GRCh37 (hg19) VCF-style: chr7-92731813-C-T.
Other names: c.3598G>A, p.Glu1200Lys (NM_001193307.2); short protein forms E1200K.
Identifiers: ClinVar variation 3792048 (VCV003792048.1).